The following is an entry in ClinVar:

ClinVar aggregate classification (germline): Pathogenic/Likely pathogenic. Review status: criteria provided, multiple submitters, no conflicts (2 of 4 stars). 3 submissions from 3 submitters: Pathogenic (1); Likely pathogenic (2). Last evaluated 2024-06-07.

Conditions:
Pituitary adenoma 5, multiple types. Identifiers: MedGen C4539685, MONDO:0054601, OMIM 617540.
CDH23-related disorder. Also called: CDH23-related condition; CDH23-related disorders.

Submissions (3):

Blueprint Genetics
Classification: Likely pathogenic for CDH23-related disorders. Last evaluated: 2024-06-07. Review status: criteria provided, single submitter. Criteria: ACMG Guidelines, 2015. Collection method: clinical testing. Allele origin: germline. Affected: yes. Observed: 1 variant allele.

Labcorp Genetics (formerly Invitae), Labcorp
Classification: Pathogenic. Last evaluated: 2023-06-18. Review status: criteria provided, single submitter. Criteria: Invitae Variant Classification Sherloc (09022015). Collection method: clinical testing. Allele origin: germline.
Comment: For these reasons, this variant has been classified as Pathogenic. This premature translational stop signal has been observed in individual(s) with deafness (PMID: 35020051). This variant is not present in population databases (gnomAD no frequency). This sequence change creates a premature translational stop signal (p.Ser3157Argfs*58) in the CDH23 gene. It is expected to result in an absent or disrupted protein product. Loss-of-function variants in CDH23 are known to be pathogenic (PMID: 11138009, 21940737).

Baylor Genetics
Classification: Likely pathogenic for Pituitary adenoma 5, multiple types. Last evaluated: 2023-05-23. Review status: criteria provided, single submitter. Criteria: ACMG Guidelines, 2015. Collection method: clinical testing. Allele origin: unknown.

Literature cited by the submitters: PubMed 35020051 (cited by Labcorp Genetics (formerly Invitae), Labcorp); PubMed 11138009 (cited by Labcorp Genetics (formerly Invitae), Labcorp); PubMed 21940737 (cited by Labcorp Genetics (formerly Invitae), Labcorp).

NM_022124.6(CDH23):c.9471_9474del (p.Ser3157fs)

Gene: CDH23 (cadherin related 23; plus strand). Cytogenetic location: 10q22.1.
Variant type: Microsatellite.
Coding change: c.9471_9474del on transcript NM_022124.6 (MANE Select); coding-DNA positions 9471 to 9474, 4 bases deleted (TGAG; older notation c.9471_9474delTGAG).
Protein change: p.Ser3157fs; shifts the reading frame from serine 3157.
Molecular consequence: frameshift variant.
Genome position (GRCh38, 1-based): chr10:71,812,570-71,812,573, TGAG deleted; deleting any 4 consecutive bases within chr10:71,812,566-71,812,573 gives the same sequence; the c. name uses the placement nearest the transcript's 3' end. VCF-style (leftmost placement, unchanged base first): chr10-71812565-CTGAG-C. GRCh37 (hg19) VCF-style: chr10-73572322-CTGAG-C.
Other names: c.2751_2754del, p.Ser917fs (NM_001171933.1, NM_001171934.1); c.162_165del, p.Ser54fs (NM_001171935.1, NM_001171936.1); short protein forms S3157fs, S54fs, S917fs.
Identifiers: ClinVar variation 2680478 (VCV002680478.5), dbSNP rs2494459662, ClinGen allele CA2609584671.